The following is an entry in ClinVar:

NM_001374385.1(ATP8B1):c.3040C>T (p.Arg1014Ter)

Genes: ATP8B1 (ATPase phospholipid transporting 8B1; minus strand), ATP8B1-AS1 (ATP8B1 antisense RNA 1; plus strand). Cytogenetic location: 18q21.31.
Variant type: single nucleotide variant.
Coding change: c.3040C>T on transcript NM_001374385.1 (MANE Select); coding-DNA position 3040, C replaced by T.
Protein change: p.Arg1014Ter; replaces arginine 1014 with a stop codon.
Molecular consequence: nonsense.
Genome position (GRCh38, 1-based): chr18:57,652,705, G>A on the plus strand (C>T on the coding strand, the complement: ATP8B1 is on the minus strand). VCF-style: chr18-57652705-G-A. GRCh37 (hg19) VCF-style: chr18-55319937-G-A.
Other names: c.2890C>T, p.Arg964Ter (NM_001374386.1); c.3040C>T, p.Arg1014Ter (NM_005603.6); short protein forms R1014*, R964*.
Identifiers: ClinVar variation 1301678 (VCV001301678.29), dbSNP rs781213892, ClinGen allele CA8974086.

ClinVar aggregate classification (germline): Pathogenic. Review status: criteria provided, multiple submitters, no conflicts (2 of 4 stars). 6 submissions from 5 submitters: Pathogenic (5). 1 of the submissions does not count toward it. Last evaluated 2026-04-14.

Conditions:
Progressive familial intrahepatic cholestasis type 1. Also called: BYLER DISEASE; Byler's disease; Severe ATP8B1 Deficiency (Progressive Familial Intrahepatic Cholestasis Type 1 [PFIC1]). Identifiers: Orphanet 79306, MedGen C4551898, MONDO:0008892, OMIM 211600.
Benign recurrent intrahepatic cholestasis type 1. Also called: Mild-to-Moderate ATP8B1 Deficiency (Benign Recurrent Intrahepatic Cholestasis 1 [BRIC1]); SUMMERSKILL SYNDROME. Identifiers: Orphanet 65682, Orphanet 99960, MedGen C4551899, MONDO:0009469, OMIM 243300.
Familial intrahepatic cholestasis. Identifiers: Orphanet 284385, MedGen CN296401, MONDO:0017290.

Allele frequency attached by ClinVar (database versions not stated): gnomAD exomes below 0.00001; ExAC 0.00001.
gnomAD v4.1: 2 of 1,614,092 alleles (0.00012%); highest among the groups gnomAD compares: South Asian, 0.0011%; no homozygotes.

Submissions (6):

Genomenon, Inc
Classification: Pathogenic for Familial intrahepatic cholestasis. Last evaluated: 2026-04-14. Review status: criteria provided, single submitter. Criteria: Genomenon Sequence Variant Interpretation Standards - Updated. Collection method: curation. Allele origin: germline. Affected: yes.
Comment: ATP8B1 p.Arg1014Ter (c.3040C>T) is a nonsense variant that introduces a premature stop codon at amino acid position 1014, creating a truncated protein that is predicted to undergo nonsense-mediated mRNA decay. This variant has been observed in at least one proband with features of ATP8B1-deficiency (PMID:37697751;15239083;26678486;24627769). It is absent or not present at a significant frequency in gnomAD. In conclusion, we classify ATP8B1 p.Arg1014Ter (c.3040C>T) as a pathogenic variant.

Labcorp Genetics (formerly Invitae), Labcorp
Classification: Pathogenic. Last evaluated: 2023-08-30. Review status: criteria provided, single submitter. Criteria: Invitae Variant Classification Sherloc (09022015). Collection method: clinical testing. Allele origin: germline.
Comment: For these reasons, this variant has been classified as Pathogenic. ClinVar contains an entry for this variant (Variation ID: 1301678). This premature translational stop signal has been observed in individual(s) with progressive familial intrahepatic cholestasis (PMID: 15239083). This variant is present in population databases (rs781213892, gnomAD 0.003%). This sequence change creates a premature translational stop signal (p.Arg1014*) in the ATP8B1 gene. It is expected to result in an absent or disrupted protein product. Loss-of-function variants in ATP8B1 are known to be pathogenic (PMID: 15239083, 22525741).

Oxford Medical Genetics Laboratories, Oxford University Hospitals NHS Foundation Trust
Classification: Pathogenic for Benign recurrent intrahepatic cholestasis type 1. Last evaluated: 2023-03-23. Review status: criteria provided, single submitter. Criteria: ACMG Guidelines, 2015. Collection method: clinical testing. Allele origin: de novo. Affected: yes.

Dubai Health Genomic Medicine Center, Dubai Health
Classification: Pathogenic. Last evaluated: 2022-12-17. Review status: criteria provided, single submitter. Criteria: ACMG Guidelines, 2015. Collection method: clinical testing. Allele origin: germline. Affected: yes.

Neuberg Centre For Genomic Medicine, NCGM
Classification: Pathogenic for Progressive familial intrahepatic cholestasis type 1. Review status: criteria provided, single submitter. Criteria: ACMG Guidelines, 2015. Collection method: clinical testing. Allele origin: germline. Inheritance: Autosomal recessive inheritance. Affected: yes.
Comment: The observed stop gained variant c.3040C>T (p.Arg1014Ter) in ATP8B1 gene has been reported in homozygous and compound heterozygous state in multiple individuals affected with cholestasis, progressive familial intrahepatic (Almes M et al. 2022; Rhee ES et al. 2019; Klomp LW et al. 2004; Giovannoni I et al. 2015). The p.Arg1014Ter variant has allele frequency 0.0004% in gnomAD Exomes. This variant has been submitted to the ClinVar database as Pathogenic (multiple submiters). The nucleotide change c.3040C>T in ATP8B1 is predicted as conserved by GERP++ and PhyloP across 100 vertebrates. This variant is predicted to cause loss of normal protein function through protein truncation. Loss of function variants have been previously reported to be disease causing. For these reasons, this variant has been classified as Pathogenic.

Dubai Health Genomic Medicine Center, Dubai Health
Classification: Pathogenic. Last evaluated: 2020-04-21. Review status: flagged submission. Criteria: ACMG Guidelines, 2015. Collection method: clinical testing. Allele origin: germline. Affected: yes. Not counted in ClinVar's aggregate classification.
Comment: The Arg1014* variant in ATP8B1 has been previously reported in the homozygous state in one individual with progressive familial intrahepatic cholestasis (PMID: 15239083). It was also present in 0.0033% (1/30616) South Asian alleles in the Genome Aggregation Database (gnomAD). This nonsense variant which affects all known ATP8B1 transcripts leads to a premature termination codon at position 1014 which is then predicted to lead to a truncated or absent protein. In summary this variant meets our criteria to be classified as pathogenic.
ClinVar note: Reason: This record appears to be redundant with a more recent record from the same submitter.
ClinVar note: Notes: SCV001984343 appears to be redundant with SCV002818151.

Literature cited by the submitters: PubMed 37697751 (cited by Genomenon, Inc); PubMed 15239083 (cited by Genomenon, Inc and Labcorp Genetics (formerly Invitae), Labcorp); PubMed 26678486 (cited by Genomenon, Inc); PubMed 24627769 (cited by Genomenon, Inc); PubMed 22525741 (cited by Labcorp Genetics (formerly Invitae), Labcorp).